The following is an entry in ClinVar:

ClinVar aggregate classification (germline): Uncertain significance (1 of 4 stars; one submission).

Conditions:
Hereditary cancer-predisposing syndrome. Also called: Tumor predisposition; Hereditary Cancer Syndrome; Hereditary neoplastic syndrome; Neoplastic Syndromes, Hereditary. Identifiers: Orphanet 140162, MedGen C0027672, MeSH D009386, MONDO:0015356.

Submission:

Ambry Genetics
Classification: Uncertain significance for Hereditary cancer-predisposing syndrome. Last evaluated: 2024-04-23. Review status: criteria provided, single submitter. Criteria: Ambry Variant Classification Scheme 2023. Collection method: clinical testing. Allele origin: germline.
Comment: The p.S459R variant (also known as c.1375A>C), located in coding exon 13 of the FANCC gene, results from an A to C substitution at nucleotide position 1375. The serine at codon 459 is replaced by arginine, an amino acid with dissimilar properties. This amino acid position is conserved. In addition, this alteration is predicted to be tolerated by in silico analysis. Based on the available evidence, the clinical significance of this variant remains unclear.

NM_000136.3(FANCC):c.1375A>C (p.Ser459Arg)

Genes: AOPEP (aminopeptidase O (putative); plus strand), FANCC (FA complementation group C; minus strand). Cytogenetic location: 9q22.32.
Variant type: single nucleotide variant.
Coding change: c.1375A>C on transcript NM_000136.3 (MANE Select); coding-DNA position 1375, A replaced by C.
Protein change: p.Ser459Arg; replaces serine 459 with arginine.
Molecular consequence: missense variant.
Genome position (GRCh38, 1-based): chr9:95,107,224, T>G on the plus strand (A>C on the coding strand, the complement: FANCC is on the minus strand). VCF-style: chr9-95107224-T-G. GRCh37 (hg19) VCF-style: chr9-97869506-T-G.
Other names: c.1375A>C, p.Ser459Arg (NM_001243743.2); short protein forms S459R.
Identifiers: ClinVar variation 3277616 (VCV003277616.1).